The following is an entry in ClinVar:

ClinVar aggregate classification (germline): Uncertain significance (1 of 4 stars; one submission).

Conditions:
Inborn genetic diseases. Identifiers: MedGen C0950123, MeSH D030342.

gnomAD v4.1: 3 of 1,613,912 alleles (0.00019%); highest among the groups gnomAD compares: African/African-American, 0.004%; no homozygotes.

Submission:

Ambry Genetics
Classification: Uncertain significance for Inborn genetic diseases. Last evaluated: 2024-12-01. Review status: criteria provided, single submitter. Criteria: Ambry Variant Classification Scheme 2023. Collection method: clinical testing. Allele origin: germline.
Comment: The p.T1760A variant (also known as c.5278A>G), located in coding exon 20 of the FANCM gene, results from an A to G substitution at nucleotide position 5278. The threonine at codon 1760 is replaced by alanine, an amino acid with similar properties. This amino acid position is conserved. In addition, this alteration is predicted to be tolerated by in silico analysis. Based on the available evidence, the clinical significance of this variant remains unclear.

NM_020937.4(FANCM):c.5278A>G (p.Thr1760Ala)

Gene: FANCM (FA complementation group M; plus strand). Cytogenetic location: 14q21.2.
Variant type: single nucleotide variant.
Coding change: c.5278A>G on transcript NM_020937.4 (MANE Select); coding-DNA position 5278, A replaced by G.
Protein change: p.Thr1760Ala; replaces threonine 1760 with alanine.
Molecular consequence: missense variant.
Genome position (GRCh38, 1-based): chr14:45,189,300, A>G. VCF-style: chr14-45189300-A-G. GRCh37 (hg19) VCF-style: chr14-45658503-A-G.
Other names: c.5200A>G, p.Thr1734Ala (NM_001308133.2); short protein forms T1760A, T1734A.
Identifiers: ClinVar variation 3512957 (VCV003512957.1).